The following is an entry in ClinVar:

NM_001379210.1(SLC25A26):c.190+239A>C

Gene: SLC25A26 (solute carrier family 25 member 26; plus strand). Cytogenetic location: 3p14.1.
Variant type: single nucleotide variant.
Coding change: c.190+239A>C on transcript NM_001379210.1 (MANE Select); 239 bases into the intron after coding-DNA position 190, A replaced by C.
Molecular consequence: intron variant.
Genome position (GRCh38, 1-based): chr3:66,236,939, A>C. VCF-style: chr3-66236939-A-C. GRCh37 (hg19) VCF-style: chr3-66287363-A-C.
Other names: c.190+239A>C (NM_173471.4); c.-75+239A>C (NM_001350993.1); c.-74-6264A>C (NM_001164796.1).
Identifiers: ClinVar variation 683886 (VCV000683886.1), dbSNP rs150944873, ClinGen allele CA11475109.

ClinVar aggregate classification (germline): Benign (1 of 4 stars; one submission).

Allele frequency attached by ClinVar (database versions not stated): gnomAD 0.38977 and 0.39643; TOPMed 0.39372; 1000 Genomes Project 0.40355; 1000 Genomes Project 30x 0.40725.
gnomAD v4.1: 59,069 of 152,014 alleles (39%); highest among the groups gnomAD compares: African/African-American, 52%; 12,402 homozygotes.

Submission:

GeneDx
Classification: Benign. Last evaluated: 2018-06-14. Review status: criteria provided, single submitter. Criteria: GeneDx Variant Classification (06012015). Collection method: clinical testing. Allele origin: germline. Affected: yes.
Comment: This variant is considered likely benign or benign based on one or more of the following criteria: it is a conservative change, it occurs at a poorly conserved position in the protein, it is predicted to be benign by multiple in silico algorithms, and/or has population frequency not consistent with disease.